The following is an entry in ClinVar:

ClinVar aggregate classification (germline): Uncertain significance (1 of 4 stars; one submission).

Submission:

Ambry Genetics
Classification: Uncertain significance. Last evaluated: 2026-03-11. Review status: criteria provided, single submitter. Criteria: Ambry Variant Classification Scheme 2023. Collection method: clinical testing. Allele origin: germline.
Comment: The p.G106E variant (also known as c.317G>A), located in coding exon 3 of the RECQL gene, results from a G to A substitution at nucleotide position 317. The glycine at codon 106 is replaced by glutamic acid, an amino acid with similar properties. This amino acid position is conserved. In addition, the in silico prediction for this alteration is inconclusive. Based on the available evidence, the clinical significance of this variant remains unclear.

NM_002907.4(RECQL):c.317G>A (p.Gly106Glu)

Gene: RECQL (RecQ like helicase; minus strand). Cytogenetic location: 12p12.1.
Variant type: single nucleotide variant.
Coding change: c.317G>A on transcript NM_002907.4 (MANE Select); coding-DNA position 317, G replaced by A.
Protein change: p.Gly106Glu; replaces glycine 106 with glutamic acid.
Molecular consequence: missense variant.
Genome position (GRCh38, 1-based): chr12:21,490,276, C>T on the plus strand (G>A on the coding strand, the complement: RECQL is on the minus strand). VCF-style: chr12-21490276-C-T. GRCh37 (hg19) VCF-style: chr12-21643210-C-T.
Other names: c.317G>A, p.Gly106Glu (NM_032941.3); short protein forms G106E.
Identifiers: ClinVar variation 4826749 (VCV004826749.1).